The following is an entry in ClinVar:

NM_003482.4(KMT2D):c.2092A>G (p.Thr698Ala)

Gene: KMT2D (lysine methyltransferase 2D; minus strand). Cytogenetic location: 12q13.12.
Variant type: single nucleotide variant.
Coding change: c.2092A>G on transcript NM_003482.4 (MANE Select); coding-DNA position 2092, A replaced by G.
Protein change: p.Thr698Ala; replaces threonine 698 with alanine.
Molecular consequence: missense variant.
Genome position (GRCh38, 1-based): chr12:49,051,591, T>C on the plus strand (A>G on the coding strand, the complement: KMT2D is on the minus strand). VCF-style: chr12-49051591-T-C. GRCh37 (hg19) VCF-style: chr12-49445374-T-C.
Other names: short protein forms T698A.
Identifiers: ClinVar variation 4690640 (VCV004690640.1).

ClinVar aggregate classification (germline): Uncertain significance (1 of 4 stars; one submission).

Conditions:
Kabuki syndrome. Also called: NIIKAWA-KUROKI SYNDROME; Kabuki make-up syndrome. Identifiers: Orphanet 2322, MedGen C0796004, MONDO:0016512.

Submission:

Labcorp Genetics (formerly Invitae), Labcorp
Classification: Uncertain significance for Kabuki syndrome. Last evaluated: 2025-03-25. Review status: criteria provided, single submitter. Criteria: Invitae Variant Classification Sherloc (09022015). Collection method: clinical testing. Allele origin: germline.
Comment: This sequence change replaces threonine, which is neutral and polar, with alanine, which is neutral and non-polar, at codon 698 of the KMT2D protein (p.Thr698Ala). This variant is not present in population databases (gnomAD no frequency). This variant has not been reported in the literature in individuals affected with KMT2D-related conditions. Invitae Evidence Modeling of protein sequence and biophysical properties (such as structural, functional, and spatial information, amino acid conservation, physicochemical variation, residue mobility, and thermodynamic stability) indicates that this missense variant is not expected to disrupt KMT2D protein function with a negative predictive value of 95%. In summary, the available evidence is currently insufficient to determine the role of this variant in disease. Therefore, it has been classified as a Variant of Uncertain Significance.